The following is an entry in ClinVar:

ClinVar aggregate classification (germline): Pathogenic/Likely pathogenic. Review status: criteria provided, multiple submitters, no conflicts (2 of 4 stars). 2 submissions from 2 submitters: Pathogenic (1); Likely pathogenic (1). Last evaluated 2024-09-25.

Conditions:
Infantile cerebral and cerebellar atrophy with postnatal progressive microcephaly (MSBA). Identifiers: Orphanet 402364, MedGen C3150921, MONDO:0013351, OMIM 613668.

Submissions (2):

Natera, Inc.
Classification: Likely pathogenic for Postnatal progressive microcephaly with seizures and brain atrophy. Last evaluated: 2024-09-25. Review status: criteria provided, single submitter. Criteria: Natera Variant Classification Schema (03/2026). Collection method: clinical testing. Allele origin: germline.
Comment: The c.1405_1433dup variant in MED17 is a frameshift variant predicted to shift the reading frame beginning at codon 479 and leads to a stop codon 7 codons downstream. This variant is expected to result in nonsense mediated decay, truncation, or a dysfunctional protein product. This variant is rare in the general population with a frequency below the threshold expected for the associated phenotype(s). Given the available evidence, this variant is classified as Likely Pathogenic.

Labcorp Genetics (formerly Invitae), Labcorp
Classification: Pathogenic. Last evaluated: 2021-01-02. Review status: criteria provided, single submitter. Criteria: Invitae Variant Classification Sherloc (09022015). Collection method: clinical testing. Allele origin: germline.
Comment: This sequence change creates a premature translational stop signal (p.Ile479Metfs*7) in the MED17 gene. It is expected to result in an absent or disrupted protein product. Loss-of-function variants in MED17 are known to be pathogenic (PMID: 20950787, 26004231, 30345598). This variant is not present in population databases (ExAC no frequency). This variant has not been reported in the literature in individuals with MED17-related conditions. Algorithms developed to predict the effect of sequence changes on RNA splicing suggest that this variant may create or strengthen a splice site, but this prediction has not been confirmed by published transcriptional studies. For these reasons, this variant has been classified as Pathogenic.

Literature cited by the submitters: PubMed 20950787 (cited by Labcorp Genetics (formerly Invitae), Labcorp); PubMed 26004231 (cited by Labcorp Genetics (formerly Invitae), Labcorp); PubMed 30345598 (cited by Labcorp Genetics (formerly Invitae), Labcorp).

NM_004268.5(MED17):c.1405_1433dup (p.Leu478_Ile479insMetPheMetAsnLeuValTer)

Gene: MED17 (mediator complex subunit 17; plus strand). Cytogenetic location: 11q21.
Variant type: Duplication.
Coding change: c.1405_1433dup on transcript NM_004268.5 (MANE Select); coding-DNA positions 1405 to 1433, 29 bases duplicated (GATGTTTATGAATCTAGTGTGAAAGTTTT).
Protein change: p.Leu478_Ile479insMetPheMetAsnLeuValTer.
Molecular consequence: nonsense, inframe insertion.
Genome position (GRCh38, 1-based): chr11:93,801,911-93,801,939, GATGTTTATGAATCTAGTGTGAAAGTTTT duplicated; duplicating any 29 consecutive bases within chr11:93,801,910-93,801,939 gives the same sequence; the c. name uses the placement nearest the transcript's 3' end. VCF-style (leftmost placement, unchanged base first): chr11-93801909-A-ATGATGTTTATGAATCTAGTGTGAAAGTTT. GRCh37 (hg19) VCF-style: chr11-93535075-A-ATGATGTTTATGAATCTAGTGTGAAAGTTT.
Other names: c.1405_1433dup (NM_004268.4).
Identifiers: ClinVar variation 1460250 (VCV001460250.7), dbSNP rs2135717849, ClinGen allele CA2573147767.
Genomic context (GRCh38, chr11:93,801,909, plus strand): 5'-TTGACAGCTTAGCAAGCCGAATTGAGGATCCTCAGATACAGGCTCATTGGTCAAATATCA[A>ATGATGTTTATGAATCTAGTGTGAAAGTTT]TGATGTTTATGAATCTAGTGTGAAAGTTTTAATCACATCACAAGGCTATGAACAAATATG-3'